The following is an entry in ClinVar:

NM_002474.3(MYH11):c.5627A>G (p.Asn1876Ser)

Genes: MYH11 (myosin heavy chain 11; minus strand), NDE1 (nudE neurodevelopment protein 1; plus strand). Cytogenetic location: 16p13.11.
Variant type: single nucleotide variant.
Coding change: c.5627A>G on transcript NM_002474.3 (MANE Select); coding-DNA position 5627, A replaced by G.
Protein change: p.Asn1876Ser; replaces asparagine 1876 with serine.
Molecular consequence: missense variant. On other transcripts: intron variant (2).
Genome position (GRCh38, 1-based): chr16:15,715,068, T>C on the plus strand (A>G on the coding strand, the complement: MYH11 is on the minus strand). VCF-style: chr16-15715068-T-C. GRCh37 (hg19) VCF-style: chr16-15808925-T-C.
Other names: c.5648A>G, p.Asn1883Ser (NM_001040113.2, NM_001040114.2); c.5627A>G, p.Asn1876Ser (NM_022844.3); c.948-9123T>C (NM_001143979.2, NM_017668.3); short protein forms N1883S, N1876S.
Identifiers: ClinVar variation 843071 (VCV000843071.17), dbSNP rs373369803, ClinGen allele CA7921181.

ClinVar aggregate classification (germline): Conflicting classifications of pathogenicity. Review status: criteria provided, conflicting classifications (1 of 4 stars). 6 submissions from 6 submitters: Uncertain significance (5); Likely benign (1). Last evaluated 2025-06-26.

Conditions:
Familial thoracic aortic aneurysm and aortic dissection (TAAD). Also called: Thoracic aortic aneurysms and dissections. Identifiers: Orphanet 91387, MedGen C4707243, MONDO:0019625.
Aortic aneurysm, familial thoracic 4 (AAT4). Also called: AORTIC ANEURYSM/AORTIC DISSECTION AND PATENT DUCTUS ARTERIOSUS. Identifiers: MedGen C1851504, MONDO:0007568, OMIM 132900.

Allele frequency attached by ClinVar (database versions not stated): gnomAD exomes below 0.00001 and 0.00001; gnomAD 0.00001; ExAC 0.00002; TOPMed 0.00002; ESP Exome Variant Server 0.00008.
gnomAD v4.1: 18 of 1,613,184 alleles (0.0011%); highest among the groups gnomAD compares: Non-Finnish European, 0.0014%; no homozygotes.

Submissions (6):

Color Diagnostics, LLC DBA Color Health
Classification: Uncertain significance for Familial thoracic aortic aneurysm and aortic dissection. Last evaluated: 2025-06-26. Review status: criteria provided, single submitter. Criteria: ACMG Guidelines, 2015. Collection method: clinical testing. Allele origin: germline.
Comment: This missense variant replaces asparagine with serine at codon 1883 of the MYH11 protein. Computational prediction suggests that this variant may not impact protein structure and function. To our knowledge, functional studies have not been reported for this variant. This variant has been reported in an individual affected with Marfan syndrome (PMID: 38958168). This variant has been identified in 1/250854 chromosomes in the general population by the Genome Aggregation Database (gnomAD). The available evidence is insufficient to determine the role of this variant in disease conclusively. Therefore, this variant is classified as a Variant of Uncertain Significance.

GeneDx
Classification: Uncertain significance. Last evaluated: 2024-12-10. Review status: criteria provided, single submitter. Criteria: GeneDx Variant Classification Process June 2021. Collection method: clinical testing. Allele origin: germline. Affected: yes.
Comment: Not observed at significant frequency in large population cohorts (gnomAD); In silico analysis indicates that this missense variant does not alter protein structure/function; Has not been previously published as pathogenic or benign to our knowledge

Labcorp Genetics (formerly Invitae), Labcorp
Classification: Uncertain significance for Aortic aneurysm, familial thoracic 4. Last evaluated: 2024-05-01. Review status: criteria provided, single submitter. Criteria: Invitae Variant Classification Sherloc (09022015). Collection method: clinical testing. Allele origin: germline.
Comment: This sequence change replaces asparagine, which is neutral and polar, with serine, which is neutral and polar, at codon 1883 of the MYH11 protein (p.Asn1883Ser). This variant is present in population databases (rs373369803, gnomAD 0.007%). This variant has not been reported in the literature in individuals affected with MYH11-related conditions. ClinVar contains an entry for this variant (Variation ID: 843071). Advanced modeling of protein sequence and biophysical properties (such as structural, functional, and spatial information, amino acid conservation, physicochemical variation, residue mobility, and thermodynamic stability) performed at Invitae indicates that this missense variant is not expected to disrupt MYH11 protein function with a negative predictive value of 95%. In summary, the available evidence is currently insufficient to determine the role of this variant in disease. Therefore, it has been classified as a Variant of Uncertain Significance.

Blueprint Genetics
Classification: Likely benign. Last evaluated: 2021-12-02. Review status: criteria provided, single submitter. Criteria: ACMG Guidelines, 2015. Collection method: clinical testing. Allele origin: germline.

Ambry Genetics
Classification: Uncertain significance for Familial thoracic aortic aneurysm and aortic dissection. Last evaluated: 2021-06-22. Review status: criteria provided, single submitter. Criteria: Ambry Variant Classification Scheme 2023. Collection method: clinical testing. Allele origin: germline.
Comment: The p.N1876S variant (also known as c.5627A>G), located in coding exon 39 of the MYH11 gene, results from an A to G substitution at nucleotide position 5627. The asparagine at codon 1876 is replaced by serine, an amino acid with highly similar properties. This amino acid position is conserved. In addition, this alteration is predicted to be tolerated by in silico analysis. Since supporting evidence is limited at this time, the clinical significance of this alteration remains unclear.

Illumina Laboratory Services, Illumina
Classification: Uncertain significance for Aortic aneurysm, familial thoracic 4. Last evaluated: 2018-01-13. Review status: criteria provided, single submitter. Criteria: ICSL Variant Classification Criteria 13 December 2019. Collection method: clinical testing. Allele origin: germline.

Literature cited by the submitters: PubMed 38958168 (cited by Color Diagnostics, LLC DBA Color Health).